The following is an entry in ClinVar:

NM_032119.4(ADGRV1):c.7402T>C (p.Ser2468Pro)

Gene: ADGRV1 (adhesion G protein-coupled receptor V1; plus strand). Cytogenetic location: 5q14.3.
Variant type: single nucleotide variant.
Coding change: c.7402T>C on transcript NM_032119.4 (MANE Select); coding-DNA position 7402, T replaced by C.
Protein change: p.Ser2468Pro; replaces serine 2468 with proline.
Molecular consequence: missense variant. On other transcripts: non-coding transcript variant (1).
Genome position (GRCh38, 1-based): chr5:90,694,158, T>C. VCF-style: chr5-90694158-T-C. GRCh37 (hg19) VCF-style: chr5-89989975-T-C.
Other names: short protein forms S2468P.
Identifiers: ClinVar variation 1046611 (VCV001046611.6), dbSNP rs573637683, ClinGen allele CA3340024.
Genomic context (GRCh38, chr5:90,694,158, plus strand): 5'-GCTTGCTCAGCGTTTTCATTTTTCAGTGCTTCTGAGGGTCCCCAGTGTTTCTGGATGACA[T>C]CATGGATCAGCCCAGCTGTCAACAATTCAGACTTCTGGACCTACAGGAAAAACATGACCA-3'
Protein context (NP_115495.3, residues 2458-2478): SEGPQCFWMT[Ser2468Pro]WISPAVNNSD

ClinVar aggregate classification (germline): Uncertain significance (1 of 4 stars; one submission).

Allele frequency attached by ClinVar (database versions not stated): gnomAD exomes below 0.00001; ExAC 0.00001; gnomAD 0.00001; 1000 Genomes Project 30x 0.00016; 1000 Genomes Project 0.00020.
gnomAD v4.1: 2 of 1,613,852 alleles (0.00012%); highest among the groups gnomAD compares: Non-Finnish European, 0.00017%; no homozygotes.

Submission:

Labcorp Genetics (formerly Invitae), Labcorp
Classification: Uncertain significance. Last evaluated: 2021-08-30. Review status: criteria provided, single submitter. Criteria: Invitae Variant Classification Sherloc (09022015). Collection method: clinical testing. Allele origin: germline.
Comment: This sequence change replaces serine with proline at codon 2468 of the ADGRV1 protein (p.Ser2468Pro). The serine residue is moderately conserved and there is a moderate physicochemical difference between serine and proline. This variant is present in population databases (rs573637683, ExAC 0.002%). This variant has not been reported in the literature in individuals affected with ADGRV1-related conditions. Algorithms developed to predict the effect of missense changes on protein structure and function are either unavailable or do not agree on the potential impact of this missense change (SIFT: "Deleterious"; PolyPhen-2: "Possibly Damaging"; Align-GVGD: "Class C0"). In summary, the available evidence is currently insufficient to determine the role of this variant in disease. Therefore, it has been classified as a Variant of Uncertain Significance.